The following is an entry in ClinVar:

NM_001130438.3(SPTAN1):c.7210G>A (p.Glu2404Lys)

Gene: SPTAN1 (spectrin alpha, non-erythrocytic 1; plus strand). Cytogenetic location: 9q34.11.
Variant type: single nucleotide variant.
Coding change: c.7210G>A on transcript NM_001130438.3 (MANE Select); coding-DNA position 7210, G replaced by A.
Protein change: p.Glu2404Lys; replaces glutamic acid 2404 with lysine.
Molecular consequence: missense variant.
Genome position (GRCh38, 1-based): chr9:128,632,857, G>A. VCF-style: chr9-128632857-G-A. GRCh37 (hg19) VCF-style: chr9-131395136-G-A.
Other names: c.7297G>A, p.Glu2433Lys (NM_001375310.1); c.7210G>A, p.Glu2404Lys (NM_001375311.2); c.7246G>A, p.Glu2416Lys (NM_001375312.2); c.7192G>A, p.Glu2398Lys (NM_001375313.1); c.7150G>A, p.Glu2384Lys (NM_001375314.2, NM_001363765.2); c.7309G>A, p.Glu2437Lys (NM_001375318.1); c.7195G>A, p.Glu2399Lys (NM_003127.4); c.7210G>A (NM_001130438.2); and 2 more; short protein forms E2398K, E2433K, E2404K, E2425K, E2437K, E2379K, E2384K, E2399K.
Identifiers: ClinVar variation 2098566 (VCV002098566.9), dbSNP rs2542397293, ClinGen allele CA375101956.
Genomic context (GRCh38, chr9:128,632,857, plus strand): 5'-CCCGCTCCTAGAGATGGCCATGTCTCCTTGCAAGAATACATGGCTTTCATGATCAGCCGC[G>A]AAACTGAGAACGTCAAGTCCAGCGAGGAGATTGAGAGCGCCTTCCGGGCCCTCAGCTCAG-3'
Protein context (NP_001123910.1, residues 2394-2414): QEYMAFMISR[Glu2404Lys]TENVKSSEEI

ClinVar aggregate classification (germline): Conflicting classifications of pathogenicity. Review status: criteria provided, conflicting classifications (1 of 4 stars). 6 submissions from 6 submitters: Pathogenic (2); Likely pathogenic (3); Uncertain significance (1). Last evaluated 2025-09-17.

Conditions:
Developmental delay with or without epilepsy (DEVEP). Identifiers: MedGen C5882702, MONDO:0957815, OMIM 620540.
Developmental and epileptic encephalopathy, 5 (DEE5). Identifiers: Orphanet 3451, MedGen C3150731, MONDO:0013277, OMIM 613477.
Early-infantile DEE. Also called: Early infantile epileptic encephalopathy; Early infantile epileptic encephalopathy with suppression bursts; Ohtahara syndrome. Identifiers: Orphanet 1934, MedGen C0393706, MONDO:0800491.
SPTAN1-related disorder. Also called: SPTAN1-related disorders; SPTAN1-related condition.

Submissions (6):

3billion
Classification: Pathogenic for SPTAN1-related disorder. Last evaluated: 2025-09-17. Review status: criteria provided, single submitter. Criteria: ACMG Guidelines, 2015. Collection method: clinical testing. Allele origin: germline. Affected: yes.
Comment: The variant is not observed in the gnomAD v4.1.0 dataset. Predicted Consequence/Location: Missense variant Damaging effect on gene or gene product predicted by in silico programs is uncertain [REVEL: 0.59 (damaging >=0.6, benign <0.4)]. The same nucleotide change resulting in the same amino acid change has been previously reported as pathogenic/likely pathogenic with strong evidence (ClinVar ID: VCV002098566). The variant has been observed in multiple (>3) similarly affected unrelated individuals (PMID: 31785789, 33057194, 35217970). The variant has been previously reported as assumed (i.e. paternity and maternity not confirmed) de novo in at least two similarly affected unrelated individuals (PMID: 31785789, 33057194, 35217970). Therefore, this variant is classified as Pathogenic according to the recommendation of ACMG/AMP guideline.

Clinical Genomics Laboratory, Washington University in St. Louis
Classification: Likely pathogenic for Developmental and epileptic encephalopathy, 5. Last evaluated: 2025-07-22. Review status: criteria provided, single submitter. Criteria: ACMG Guidelines, 2015. Collection method: clinical testing. Allele origin: germline. Affected: yes.
Comment: The SPTAN1 c.7210G>A (p.Glu2404Lys) variant has been reported as occurring de novo in two unrelated individuals affected with developmental and epileptic encephalopathy (Turner TN et al., PMID: 31785789; Zhao X et al., PMID: 35217970). This variant is absent from the general population (gnomAD v4.1.0), indicating it is not a common variant. The SPTAN1 gene is a gene that has a low rate of benign missense variation and where pathogenic missense variants are a common mechanism of disease. This variant has been reported in the ClinVar database as a germline variant of uncertain significance, likely pathogenic and pathogenic variant by one submitter each. Based on available information and the ACMG/AMP guidelines for variant interpretation (Richards S et al., PMID: 25741868), this variant is classified as likely pathogenic.

PreventionGenetics, part of Exact Sciences
Classification: Likely pathogenic for SPTAN1-related condition. Last evaluated: 2025-04-29. Review status: criteria provided, single submitter. Criteria: ACMG Guidelines, 2015. Collection method: clinical testing. Allele origin: germline.
Comment: The SPTAN1 c.7210G>A variant is predicted to result in the amino acid substitution p.Glu2404Lys. This variant has been reported as de novo in individuals with neurodevelopmental disorders (Table S2, Turner et al. 2019. PubMed ID: 31785789; Table S1, Kaplanis et al. 2020. PubMed ID: 33057194; Supplementary Data 3, Zhou et al. 2022. PubMed ID: 35982159) and a patient with epilepsy, developmental delay, hypotonia, and dysplastic corpus callosum (Zhao et al. 2022. PubMed ID: 35217970). This variant has not been reported in a large population database (gnomAD), indicating this variant is rare. In ClinVar, this variant has conflicting interpretations of pathogenicity including uncertain, likely pathogenic, and pathogenic. This variant is interpreted as likely pathogenic.

Institute of Medical Genetics and Applied Genomics, University Hospital Tübingen
Classification: Likely pathogenic for Developmental delay with or without epilepsy. Last evaluated: 2025-03-11. Review status: criteria provided, single submitter. Criteria: ACMG Guidelines, 2015. Collection method: clinical testing. Allele origin: germline. Inheritance: Autosomal dominant inheritance. Affected: yes.

Labcorp Genetics (formerly Invitae), Labcorp
Classification: Uncertain significance for Early-infantile DEE. Last evaluated: 2024-10-21. Review status: criteria provided, single submitter. Criteria: Invitae Variant Classification Sherloc (09022015). Collection method: clinical testing. Allele origin: germline.
Comment: This sequence change replaces glutamic acid, which is acidic and polar, with lysine, which is basic and polar, at codon 2404 of the SPTAN1 protein (p.Glu2404Lys). This variant is not present in population databases (gnomAD no frequency). This missense change has been observed in individual(s) with clinical features of SPTAN1-related conditions (PMID: 31785789, 33057194, 35217970, 35982159). In at least one individual the variant was observed to be de novo. ClinVar contains an entry for this variant (Variation ID: 2098566). Invitae Evidence Modeling of protein sequence and biophysical properties (such as structural, functional, and spatial information, amino acid conservation, physicochemical variation, residue mobility, and thermodynamic stability) has been performed for this missense variant. However, the output from this modeling did not meet the statistical confidence thresholds required to predict the impact of this variant on SPTAN1 protein function. In summary, the available evidence is currently insufficient to determine the role of this variant in disease. Therefore, it has been classified as a Variant of Uncertain Significance.

GeneDx
Classification: Pathogenic. Last evaluated: 2023-12-05. Review status: criteria provided, single submitter. Criteria: GeneDx Variant Classification Process June 2021. Collection method: clinical testing. Allele origin: germline. Affected: yes.
Comment: Not observed at significant frequency in large population cohorts (gnomAD); In silico analysis supports that this missense variant has a deleterious effect on protein structure/function; This variant is associated with the following publications: (PMID: 35217970, 31785789)

Literature cited by the submitters: PubMed 35217970 (cited by 3billion and Labcorp Genetics (formerly Invitae), Labcorp); PubMed 31785789 (cited by 3billion and Labcorp Genetics (formerly Invitae), Labcorp); PubMed 33057194 (cited by 3billion and Labcorp Genetics (formerly Invitae), Labcorp); PubMed 35982159 (cited by Labcorp Genetics (formerly Invitae), Labcorp).